The following is an entry in ClinVar:

NM_015346.4(ZFYVE26):c.308A>C (p.Glu103Ala)

Gene: ZFYVE26 (zinc finger FYVE-type containing 26; minus strand). Cytogenetic location: 14q24.1.
Variant type: single nucleotide variant.
Coding change: c.308A>C on transcript NM_015346.4 (MANE Select); coding-DNA position 308, A replaced by C.
Protein change: p.Glu103Ala; replaces glutamic acid 103 with alanine.
Molecular consequence: missense variant.
Genome position (GRCh38, 1-based): chr14:67,809,255, T>G on the plus strand (A>C on the coding strand, the complement: ZFYVE26 is on the minus strand). VCF-style: chr14-67809255-T-G. GRCh37 (hg19) VCF-style: chr14-68275972-T-G.
Other names: short protein forms E103A.
Identifiers: ClinVar variation 965482 (VCV000965482.8), dbSNP rs750426190, ClinGen allele CA7240827.
Genomic context (GRCh38, chr14:67,809,255, plus strand): 5'-CTCACCTCGAGGATGTTCTCTGGAATGTCACCTTGGAGGTCTTCTGACAATAAAAGAAAC[T>G]CAAGCTTTCTCCGGAAAACAACTGGGAGTAACTTCTAGAAGAATCAAAAGAATGAAGCAT-3'
Protein context (NP_056161.2, residues 93-113): LLPVVFRRKL[Glu103Ala]FLLLSEDLQG

ClinVar aggregate classification (germline): Uncertain significance. Review status: criteria provided, multiple submitters, no conflicts (2 of 4 stars). 4 submissions from 4 submitters: Uncertain significance (4). Last evaluated 2025-06-22.

Conditions:
Inborn genetic diseases. Identifiers: MedGen C0950123, MeSH D030342.
Spastic paraplegia. Identifiers: MedGen C0037772, HP:0001258.
Hereditary spastic paraplegia. Also called: Familial spastic paraparesis. Identifiers: Orphanet 685, MedGen C0037773, MONDO:0019064. Disease mechanism: loss of function.

Allele frequency attached by ClinVar (database versions not stated): gnomAD exomes 0.00001 and 0.00003; ExAC 0.00002; gnomAD 0.00002; TOPMed 0.00003.
gnomAD v4.1: 42 of 1,613,918 alleles (0.0026%); highest among the groups gnomAD compares: Middle Eastern, 0.016%; no homozygotes.

Submissions (4):

Ambry Genetics
Classification: Uncertain significance for Inborn genetic diseases. Last evaluated: 2025-06-22. Review status: criteria provided, single submitter. Criteria: Ambry Variant Classification Scheme 2023. Collection method: clinical testing. Allele origin: germline.

Blueprint Genetics
Classification: Uncertain significance. Last evaluated: 2024-01-29. Review status: criteria provided, single submitter. Criteria: ACMG Guidelines, 2015. Collection method: clinical testing. Allele origin: germline.

Labcorp Genetics (formerly Invitae), Labcorp
Classification: Uncertain significance for Spastic paraplegia. Last evaluated: 2022-06-08. Review status: criteria provided, single submitter. Criteria: Invitae Variant Classification Sherloc (09022015). Collection method: clinical testing. Allele origin: germline.
Comment: This sequence change replaces glutamic acid, which is acidic and polar, with alanine, which is neutral and non-polar, at codon 103 of the ZFYVE26 protein (p.Glu103Ala). This variant is present in population databases (rs750426190, gnomAD 0.002%). This variant has not been reported in the literature in individuals affected with ZFYVE26-related conditions. ClinVar contains an entry for this variant (Variation ID: 965482). Algorithms developed to predict the effect of missense changes on protein structure and function are either unavailable or do not agree on the potential impact of this missense change (SIFT: "Deleterious"; PolyPhen-2: "Probably Damaging"; Align-GVGD: "Class C0"). In summary, the available evidence is currently insufficient to determine the role of this variant in disease. Therefore, it has been classified as a Variant of Uncertain Significance.

Genome Diagnostics Laboratory, The Hospital for Sick Children
Classification: Uncertain significance for Hereditary spastic paraplegia. Last evaluated: 2016-12-12. Review status: criteria provided, single submitter. Criteria: ACMG Guidelines, 2015. Collection method: clinical testing. Allele origin: germline. Affected: yes.